The following is an entry in ClinVar:

NM_001267550.2(TTN):c.39616C>T (p.Pro13206Ser)

Gene: TTN (titin; minus strand). Cytogenetic location: 2q31.2.
Variant type: single nucleotide variant.
Coding change: c.39616C>T on transcript NM_001267550.2 (MANE Select); coding-DNA position 39616, C replaced by T.
Protein change: p.Pro13206Ser; replaces proline 13206 with serine.
Molecular consequence: missense variant. On other transcripts: intron variant (3).
Genome position (GRCh38, 1-based): chr2:178,651,252, G>A on the plus strand (C>T on the coding strand, the complement: TTN is on the minus strand). VCF-style: chr2-178651252-G-A. GRCh37 (hg19) VCF-style: chr2-179515979-G-A.
Other names: c.35095C>T, p.Pro11699Ser (NM_001256850.1); c.32314C>T, p.Pro10772Ser (NM_133378.4); c.13283-8935C>T (NM_003319.4); c.13859-8935C>T (NM_133437.4); c.13658-8935C>T (NM_133432.3); short protein forms P13206S, P10772S, P11699S.
Identifiers: ClinVar variation 46928 (VCV000046928.46), dbSNP rs186404793, ClinGen allele CA139547.

ClinVar aggregate classification (germline): Conflicting classifications of pathogenicity. Review status: criteria provided, conflicting classifications (1 of 4 stars). 13 submissions from 9 submitters: Uncertain significance (3); Benign (4); Likely benign (6). Last evaluated 2026-01-10.

Conditions:
Dilated cardiomyopathy 1G (CMD1G). Identifiers: Orphanet 154, MedGen C1858763, MONDO:0011400, OMIM 604145.
Autosomal recessive limb-girdle muscular dystrophy type 2J (LGMDR10). Also called: Limb-girdle muscular dystrophy, type 2J; MUSCULAR DYSTROPHY, LIMB-GIRDLE, AUTOSOMAL RECESSIVE 10. Identifiers: Orphanet 140922, MedGen C1837342, MONDO:0012127, OMIM 608807.
Cardiomyopathy (CMYO). Also called: Cardiomyopathies. Identifiers: Orphanet 167848, MedGen C0878544, MONDO:0004994, HP:0001638. Inheritance: Various modes of inheritance.
Early-onset myopathy with fatal cardiomyopathy (CMYO5). Also called: Salih Myopathy; CONGENITAL MYOPATHY 5 WITH CARDIOMYOPATHY. Identifiers: Orphanet 289377, MedGen C2673677, MONDO:0012714, OMIM 611705. Disease mechanism: loss of function.
Myopathy, myofibrillar, 9, with early respiratory failure (MFM9). Also called: Hereditary myopathy with early respiratory failure; Myopathy, distal, with early respiratory failure, autosomal dominant; EDSTROM MYOPATHY; MYOPATHY, PROXIMAL, WITH EARLY RESPIRATORY MUSCLE INVOLVEMENT. Identifiers: Orphanet 178464, Orphanet 34521, MedGen C1863599, MONDO:0011362, OMIM 603689.
Tibial muscular dystrophy (TMD). Also called: Udd Distal Myopathy – Tibial Muscular Dystrophy; Tibial muscular dystrophy, tardive; UDD MYOPATHY. Identifiers: Orphanet 609, MedGen C1838244, MONDO:0010870, OMIM 600334.

Allele frequency attached by ClinVar (database versions not stated): gnomAD exomes 0.00018 and 0.00068; gnomAD 0.00019 and 0.00029; TOPMed 0.00029; ExAC 0.00061; 1000 Genomes Project 0.00240; 1000 Genomes Project 30x 0.00265.

Submissions (13):

Labcorp Genetics (formerly Invitae), Labcorp
Classification: Benign for Dilated cardiomyopathy 1G; Autosomal recessive limb-girdle muscular dystrophy type 2J. Last evaluated: 2026-01-10. Review status: criteria provided, single submitter. Criteria: Invitae Variant Classification Sherloc (09022015). Collection method: clinical testing. Allele origin: germline.

Molecular Diagnostic Laboratory for Inherited Cardiovascular Disease, Montreal Heart Institute
Classification: Likely benign. Last evaluated: 2025-04-09. Review status: criteria provided, single submitter. Criteria: ACMG Guidelines, 2015. Collection method: clinical testing. Allele origin: germline. Affected: no.

Blueprint Genetics
Classification: Likely benign. Last evaluated: 2024-10-11. Review status: criteria provided, single submitter. Criteria: ACMG Guidelines, 2015. Collection method: clinical testing. Allele origin: germline.

CeGaT Center for Human Genetics Tuebingen
Classification: Likely benign. Last evaluated: 2023-12-01. Review status: criteria provided, single submitter. Criteria: CeGaT Center For Human Genetics Tuebingen Variant Classification Criteria Version 2. Collection method: clinical testing. Allele origin: germline. Affected: yes. Observed: 1 variant allele.
Comment: TTN: BP4, BS2

Women's Health and Genetics/Laboratory Corporation of America, LabCorp
Classification: Likely benign. Last evaluated: 2023-05-22. Review status: criteria provided, single submitter. Criteria: LabCorp Variant Classification Summary - May 2015. Collection method: clinical testing. Allele origin: germline.

CHEO Genetics Diagnostic Laboratory, Children's Hospital of Eastern Ontario
Classification: Benign for Cardiomyopathy. Last evaluated: 2023-04-19. Review status: criteria provided, single submitter. Criteria: ACMG Guidelines, 2015. Collection method: clinical testing. Allele origin: germline.

GeneDx
Classification: Likely benign. Last evaluated: 2020-12-03. Review status: criteria provided, single submitter. Criteria: GeneDx Variant Classification Process June 2021. Collection method: clinical testing. Allele origin: germline. Affected: yes.

Illumina Laboratory Services, Illumina
Classification: Benign for Tibial muscular dystrophy. Last evaluated: 2018-01-12. Review status: criteria provided, single submitter. Criteria: ICSL Variant Classification Criteria 13 December 2019. Collection method: clinical testing. Allele origin: germline.
Comment: This variant was observed in the ICSL laboratory as part of a predisposition screen in an ostensibly healthy population. It had not been previously curated by ICSL or reported in the Human Gene Mutation Database (HGMD: prior to June 1st, 2018), and was therefore a candidate for classification through an automated scoring system. Utilizing variant allele frequency, disease prevalence and penetrance estimates, and inheritance mode, an automated score was calculated to assess if this variant is too frequent to cause the disease. Based on the score and internal cut-off values, a variant classified as benign is not then subjected to further curation. The score for this variant resulted in a classification of benign for this disease.

Illumina Laboratory Services, Illumina
Classification: Uncertain significance for Early-onset myopathy with fatal cardiomyopathy. Last evaluated: 2018-01-12. Review status: criteria provided, single submitter. Criteria: ICSL Variant Classification Criteria 13 December 2019. Collection method: clinical testing. Allele origin: germline.

Illumina Laboratory Services, Illumina
Classification: Uncertain significance for Autosomal recessive limb-girdle muscular dystrophy type 2J. Last evaluated: 2018-01-12. Review status: criteria provided, single submitter. Criteria: ICSL Variant Classification Criteria 13 December 2019. Collection method: clinical testing. Allele origin: germline.

Illumina Laboratory Services, Illumina
Classification: Benign for Myopathy, myofibrillar, 9, with early respiratory failure. Last evaluated: 2018-01-12. Review status: criteria provided, single submitter. Criteria: ICSL Variant Classification Criteria 13 December 2019. Collection method: clinical testing. Allele origin: germline.
Comment: the same text as in the submission from Illumina Laboratory Services, Illumina above.

Illumina Laboratory Services, Illumina
Classification: Uncertain significance for Dilated cardiomyopathy 1G. Last evaluated: 2018-01-12. Review status: criteria provided, single submitter. Criteria: ICSL Variant Classification Criteria 13 December 2019. Collection method: clinical testing. Allele origin: germline.

Laboratory for Molecular Medicine, Mass General Brigham Personalized Medicine
Classification: Likely benign. Last evaluated: 2014-07-03. Review status: criteria provided, single submitter. Criteria: LMM Criteria. Collection method: clinical testing. Allele origin: germline. Observed: 2 variant alleles.
Comment: Pro10772Ser in exon 162 of TTN: This variant is not expected to have clinical si gnificance because it has been identified in 1.4% (8/572) of Asian chromosomes b y the 1000 Genomes Project (dbSNP rs186404793).